The following is an entry in ClinVar:

ClinVar aggregate classification (germline): Conflicting classifications of pathogenicity. Review status: criteria provided, conflicting classifications (1 of 4 stars). 3 submissions from 3 submitters: Uncertain significance (2); Likely benign (1). Last evaluated 2022-04-25.

Conditions:
Ullrich congenital muscular dystrophy 2 (UCMD2). Identifiers: Orphanet 75840, MedGen C4225314, MONDO:0014654, OMIM 616470.
Bethlem myopathy 2 (BTHLM2). Identifiers: Orphanet 536516, Orphanet 610, MedGen C4225313, MONDO:0034022, OMIM 616471.

Allele frequency attached by ClinVar (database versions not stated): gnomAD exomes below 0.00001 and 0.00002; ExAC 0.00002.
gnomAD v4.1: 4 of 1,613,706 alleles (0.00025%); highest among the groups gnomAD compares: Admixed American, 0.005%; no homozygotes.

Submissions (3):

Labcorp Genetics (formerly Invitae), Labcorp
Classification: Likely benign for Bethlem myopathy 2; Ullrich congenital muscular dystrophy 2. Last evaluated: 2022-04-25. Review status: criteria provided, single submitter. Criteria: Invitae Variant Classification Sherloc (09022015). Collection method: clinical testing. Allele origin: germline.

Fulgent Genetics
Classification: Uncertain significance for Ullrich congenital muscular dystrophy 2; Bethlem myopathy 2. Last evaluated: 2022-01-07. Review status: criteria provided, single submitter. Criteria: ACMG Guidelines, 2015. Collection method: clinical testing. Allele origin: unknown.

GeneDx
Classification: Uncertain significance. Last evaluated: 2019-09-13. Review status: criteria provided, single submitter. Criteria: GeneDx Variant Classification Process June 2021. Collection method: clinical testing. Allele origin: germline. Affected: yes.
Comment: Has not been previously published as pathogenic or benign to our knowledge; Not observed at a significant frequency in large population cohorts (Lek et al., 2016); In silico analysis, which includes protein predictors and evolutionary conservation, supports a deleterious effect

NM_004370.6(COL12A1):c.2957C>G (p.Pro986Arg)

Gene: COL12A1 (collagen type XII alpha 1 chain; minus strand). Cytogenetic location: 6q13.
Variant type: single nucleotide variant.
Coding change: c.2957C>G on transcript NM_004370.6 (MANE Select); coding-DNA position 2957, C replaced by G.
Protein change: p.Pro986Arg; replaces proline 986 with arginine.
Molecular consequence: missense variant. On other transcripts: intron variant (1).
Genome position (GRCh38, 1-based): chr6:75,165,533, G>C on the plus strand (C>G on the coding strand, the complement: COL12A1 is on the minus strand). VCF-style: chr6-75165533-G-C. GRCh37 (hg19) VCF-style: chr6-75875249-G-C.
Other names: c.74-13051C>G (NM_080645.3); short protein forms P986R.
Identifiers: ClinVar variation 1318976 (VCV001318976.10), dbSNP rs752812483, ClinGen allele CA3893850.